The following is an entry in ClinVar:

ClinVar aggregate classification (germline): Conflicting classifications of pathogenicity. Review status: criteria provided, conflicting classifications (1 of 4 stars). 6 submissions from 6 submitters: Uncertain significance (1); Benign (1); Likely benign (4). Last evaluated 2025-10-13.

Conditions:
Hereditary cancer-predisposing syndrome. Also called: Neoplastic Syndromes, Hereditary; Hereditary neoplastic syndrome; Tumor predisposition; Hereditary Cancer Syndrome. Identifiers: Orphanet 140162, MedGen C0027672, MeSH D009386, MONDO:0015356.
Hereditary diffuse gastric adenocarcinoma (HDGC). Also called: DIFFUSE GASTRIC AND LOBULAR BREAST CANCER SYNDROME. Identifiers: Orphanet 26106, MedGen C1708349, MONDO:0007648, OMIM 137215.

Allele frequency attached by ClinVar (database versions not stated): gnomAD exomes below 0.00001.
gnomAD v4.1: 2 of 1,614,012 alleles (0.00012%); highest among the groups gnomAD compares: Non-Finnish European, 0.00017%; no homozygotes.

Submissions (6):

Labcorp Genetics (formerly Invitae), Labcorp
Classification: Likely benign for Hereditary diffuse gastric adenocarcinoma. Last evaluated: 2025-10-13. Review status: criteria provided, single submitter. Criteria: Invitae Variant Classification Sherloc (09022015). Collection method: clinical testing. Allele origin: germline.

Myriad Genetics, Inc.
Classification: Benign for Hereditary diffuse gastric adenocarcinoma. Last evaluated: 2024-09-20. Review status: criteria provided, single submitter. Criteria: Myriad Autosomal Dominant, Autosomal Recessive and X-Linked Classification Criteria (2023). Collection method: clinical testing. Allele origin: unknown.
Comment: This variant is considered benign. This variant is a silent/synonymous amino acid change and it is not expected to impact splicing.

European Reference Network on Genetic Tumour Risk Syndromes (ERN-GENTURIS), i3s - Instituto de Investigação e Inovação em Saúde, University of Porto
Classification: Uncertain significance for Hereditary diffuse gastric adenocarcinoma. Last evaluated: 2022-08-01. Review status: criteria provided, single submitter. Criteria: Lee et al. (Hum Mutat. 2018). Collection method: clinical testing. Allele origin: germline. Inheritance: Autosomal dominant inheritance. Affected: no. Study: ERN GENTURIS.
Comment: PM2 (PMID: 30311375)

Women's Health and Genetics/Laboratory Corporation of America, LabCorp
Classification: Likely benign. Last evaluated: 2020-01-31. Review status: criteria provided, single submitter. Criteria: LabCorp Variant Classification Summary - May 2015. Collection method: clinical testing. Allele origin: germline.

GeneDx
Classification: Likely benign. Last evaluated: 2016-06-24. Review status: criteria provided, single submitter. Criteria: GeneDx Variant Classification (06012015). Collection method: clinical testing. Allele origin: germline. Affected: yes.
Comment: This variant is considered likely benign or benign based on one or more of the following criteria: it is a conservative change, it occurs at a poorly conserved position in the protein, it is predicted to be benign by multiple in silico algorithms, and/or has population frequency not consistent with disease.

Ambry Genetics
Classification: Likely benign for Hereditary cancer-predisposing syndrome. Last evaluated: 2015-06-24. Review status: criteria provided, single submitter. Criteria: Ambry Variant Classification Scheme 2023. Collection method: clinical testing. Allele origin: germline.

Literature cited by the submitters: PubMed 36436516 (cited by European Reference Network on Genetic Tumour Risk Syndromes (ERN-GENTURIS), i3s - Instituto de Investigação e Inovação em Saúde, University of Porto).

NM_004360.5(CDH1):c.1917C>T (p.Thr639=)

Gene: CDH1 (cadherin 1; plus strand). Cytogenetic location: 16q22.1.
Variant type: single nucleotide variant.
Coding change: c.1917C>T on transcript NM_004360.5 (MANE Select); coding-DNA position 1917, C replaced by T.
Protein change: p.Thr639=; no amino-acid change (threonine 639 retained).
Molecular consequence: synonymous variant. On other transcripts: 5 prime UTR variant (1).
Genome position (GRCh38, 1-based): chr16:68,822,206, C>T. VCF-style: chr16-68822206-C-T. GRCh37 (hg19) VCF-style: chr16-68856109-C-T.
Other names: c.1917C>T (LRG_301t1); c.1734C>T, p.Thr578= (NM_001317184.2); c.369C>T, p.Thr123= (NM_001317185.2); c.-49C>T (NM_001317186.2).
Identifiers: ClinVar variation 387183 (VCV000387183.21), dbSNP rs1057522719, ClinGen allele CA16607369.